The following is an entry in ClinVar:

ClinVar aggregate classification (germline): Uncertain significance (1 of 4 stars; one submission).

Conditions:
Cardiovascular phenotype. Identifiers: MedGen CN230736.

gnomAD v4.1: 1 of 1,549,776 alleles (0.000065%); highest among the groups gnomAD compares: Non-Finnish European, 0.000087%; no homozygotes.

Submission:

Ambry Genetics
Classification: Uncertain significance for Cardiovascular phenotype. Last evaluated: 2024-11-10. Review status: criteria provided, single submitter. Criteria: Ambry Variant Classification Scheme 2023. Collection method: clinical testing. Allele origin: germline.
Comment: The p.S1253P variant (also known as c.3757T>C), located in coding exon 2 of the ZNF469 gene, results from a T to C substitution at nucleotide position 3757. The serine at codon 1253 is replaced by proline, an amino acid with similar properties. This amino acid position is conserved. In addition, this alteration is predicted to be tolerated by in silico analysis. Based on the available evidence, the clinical significance of this variant remains unclear.

NM_001367624.2(ZNF469):c.3841T>C (p.Ser1281Pro)

Gene: ZNF469 (zinc finger protein 469; plus strand). Cytogenetic location: 16q24.2.
Variant type: single nucleotide variant.
Coding change: c.3841T>C on transcript NM_001367624.2 (MANE Select); coding-DNA position 3841, T replaced by C.
Protein change: p.Ser1281Pro; replaces serine 1281 with proline.
Molecular consequence: missense variant.
Genome position (GRCh38, 1-based): chr16:88,431,311, T>C. VCF-style: chr16-88431311-T-C. GRCh37 (hg19) VCF-style: chr16-88497719-T-C.
Other names: NM_001127464.1:c.3757T>C; short protein forms S1281P.
Identifiers: ClinVar variation 3476270 (VCV003476270.1).